The following is an entry in ClinVar:

ClinVar aggregate classification (germline): Conflicting classifications of pathogenicity. Review status: criteria provided, conflicting classifications (1 of 4 stars). 3 submissions from 3 submitters: Uncertain significance (2); Likely benign (1). Last evaluated 2026-07-01.

Conditions:
Arthrogryposis, distal, type 1B. Identifiers: Orphanet 1146, MedGen C3280526, MONDO:0013698, OMIM 614335.
Inborn genetic diseases. Identifiers: MedGen C0950123, MeSH D030342.

Allele frequency attached by ClinVar (database versions not stated): ExAC 0.00002; gnomAD exomes 0.00002 and 0.00003; gnomAD 0.00003; TOPMed 0.00003.
gnomAD v4.1: 45 of 1,613,736 alleles (0.0028%); highest among the groups gnomAD compares: Non-Finnish European, 0.0036%; no homozygotes.

Submissions (3):

CeGaT Center for Human Genetics Tuebingen
Classification: Uncertain significance. Last evaluated: 2026-07-01. Review status: criteria provided, single submitter. Criteria: CeGaT Center For Human Genetics Tuebingen Variant Classification Criteria Version 2. Collection method: clinical testing. Allele origin: germline. Affected: yes. Observed: 2 variant alleles.
Comment: MYBPC1: PM2

Ambry Genetics
Classification: Uncertain significance for Inborn genetic diseases. Last evaluated: 2025-05-17. Review status: criteria provided, single submitter. Criteria: Ambry Variant Classification Scheme 2023. Collection method: clinical testing. Allele origin: germline.

Illumina Laboratory Services, Illumina
Classification: Likely benign for Arthrogryposis, distal, type 1B. Last evaluated: 2018-01-13. Review status: criteria provided, single submitter. Criteria: ICSL Variant Classification Criteria 13 December 2019. Collection method: clinical testing. Allele origin: germline.
Comment: This variant was observed in the ICSL laboratory as part of a predisposition screen in an ostensibly healthy population. It had not been previously curated by ICSL or reported in the Human Gene Mutation Database (HGMD: prior to June 1st, 2018), and was therefore a candidate for classification through an automated scoring system. Utilizing variant allele frequency, disease prevalence and penetrance estimates, and inheritance mode, an automated score was calculated to assess if this variant is too frequent to cause the disease. Based on the score and internal cut-off values, a variant classified as likely benign is not then subjected to further curation. The score for this variant resulted in a classification of likely benign for this disease.

NM_002465.4(MYBPC1):c.2522T>C (p.Ile841Thr)

Gene: MYBPC1 (myosin binding protein C1; plus strand). Cytogenetic location: 12q23.2.
Variant type: single nucleotide variant.
Coding change: c.2522T>C on transcript NM_002465.4 (MANE Select); coding-DNA position 2522, T replaced by C.
Protein change: p.Ile841Thr; replaces isoleucine 841 with threonine.
Molecular consequence: missense variant.
Genome position (GRCh38, 1-based): chr12:101,667,897, T>C. VCF-style: chr12-101667897-T-C. GRCh37 (hg19) VCF-style: chr12-102061675-T-C.
Other names: c.2390T>C, p.Ile797Thr (NM_001254721.3, NM_001404676.1, NM_001404678.1); c.2369T>C, p.Ile790Thr (NM_001254722.3, NM_001404680.1); c.2408T>C, p.Ile803Thr (NM_001254723.3); c.2522T>C, p.Ile841Thr (NM_001404675.1, NM_206819.4); c.2312T>C, p.Ile771Thr (NM_001404677.1, NM_001404679.1, NM_001404681.1); c.2501T>C, p.Ile834Thr (NM_206820.4, NM_001254718.3); c.2447T>C, p.Ile816Thr (NM_206821.4, NM_001254719.3); c.2522T>C (NM_002465.2); and 1 more; short protein forms I841T, I797T, I790T, I804T, I816T, I834T, I803T, I771T.
Identifiers: ClinVar variation 306745 (VCV000306745.25), dbSNP rs761232017, ClinGen allele CA6745093.